The following is an entry in ClinVar:

ClinVar aggregate classification (germline): Uncertain significance (1 of 4 stars; one submission).

Submission:

GeneDx
Classification: Uncertain significance. Last evaluated: 2025-08-23. Review status: criteria provided, single submitter. Criteria: GeneDx Variant Classification Process June 2021. Collection method: clinical testing. Allele origin: germline. Affected: yes.
Comment: Not observed at significant frequency in large population cohorts (gnomAD); In-frame duplication of 2 amino acid(s) in a non-repeat region; Has not been previously published as pathogenic or benign to our knowledge

NM_001170629.2(CHD8):c.1080_1085dup (p.362PQ[3])

Gene: CHD8 (chromodomain helicase DNA binding protein 8; minus strand). Cytogenetic location: 14q11.2.
Variant type: Duplication.
Coding change: c.1080_1085dup on transcript NM_001170629.2 (MANE Select); coding-DNA positions 1080 to 1085, 6 bases duplicated (GCAGCC; older notation c.1080_1085dupGCAGCC).
Protein change: p.362PQ[3].
Molecular consequence: inframe insertion.
Genome position (GRCh38, 1-based): chr14:21,429,094-21,429,099, GGCTGC duplicated on the plus strand (GCAGCC on the coding strand, the reverse complement: CHD8 is on the minus strand); duplicating any 6 consecutive bases within chr14:21,429,094-21,429,100 gives the same sequence; the c. name uses the placement nearest the transcript's 3' end. VCF-style (leftmost placement, unchanged base first): chr14-21429093-T-TGGCTGC. GRCh37 (hg19) VCF-style: chr14-21897252-T-TGGCTGC.
Other names: c.243_248dup, p.83PQ[3] (NM_020920.4).
Identifiers: ClinVar variation 1313551 (VCV001313551.3), dbSNP rs2139534520, ClinGen allele CA2573053872.